The following is an entry in ClinVar:

NM_001034853.2(RPGR):c.778+13T>A

Gene: RPGR (retinitis pigmentosa GTPase regulator; minus strand). Cytogenetic location: Xp11.4.
Variant type: single nucleotide variant.
Coding change: c.778+13T>A on transcript NM_001034853.2 (MANE Select); 13 bases into the intron after coding-DNA position 778, T replaced by A.
Molecular consequence: intron variant.
Genome position (GRCh38, 1-based): chrX:38,310,602, A>T on the plus strand (T>A on the coding strand, the complement: RPGR is on the minus strand). VCF-style: chrX-38310602-A-T. GRCh37 (hg19) VCF-style: chrX-38169855-A-T.
Other names: c.775+13T>A (NM_001367249.1, NM_001367250.1, NM_001367245.1); c.778+13T>A (NM_001367251.1, NM_001367246.1, NM_001367247.1 and 1 more transcripts); c.808+13T>A (NM_001367248.1).
Identifiers: ClinVar variation 504833 (VCV000504833.18), dbSNP rs199625400, ClinGen allele CA10385598.

ClinVar aggregate classification (germline): Benign/Likely benign. Review status: criteria provided, multiple submitters, no conflicts (2 of 4 stars). 6 submissions from 6 submitters: Benign (5); Likely benign (1). Last evaluated 2026-02-04.

Conditions:
Primary ciliary dyskinesia. Also called: Ciliary dyskinesia. Identifiers: Orphanet 244, MedGen C0008780, MONDO:0016575, HP:0012265.

Allele frequency attached by ClinVar (database versions not stated): 1000 Genomes Project 30x 0.00354; 1000 Genomes Project 0.00371; ESP Exome Variant Server 0.00578; gnomAD exomes 0.00605 and 0.00881; ExAC 0.00606; gnomAD 0.00624 and 0.00629; TOPMed 0.00643.
gnomAD v4.1: 10,318 of 1,208,155 alleles (0.85%); highest among the groups gnomAD compares: Middle Eastern, 2.5%; 53 homozygotes.

Submissions (6):

Labcorp Genetics (formerly Invitae), Labcorp
Classification: Benign for Primary ciliary dyskinesia. Last evaluated: 2026-02-04. Review status: criteria provided, single submitter. Criteria: Invitae Variant Classification Sherloc (09022015). Collection method: clinical testing. Allele origin: germline.

Blueprint Genetics
Classification: Likely benign. Last evaluated: 2024-11-28. Review status: criteria provided, single submitter. Criteria: ACMG Guidelines, 2015. Collection method: clinical testing. Allele origin: germline.

Women's Health and Genetics/Laboratory Corporation of America, LabCorp
Classification: Benign. Last evaluated: 2024-01-11. Review status: criteria provided, single submitter. Criteria: LabCorp Variant Classification Summary - May 2015. Collection method: clinical testing. Allele origin: germline.

PreventionGenetics, part of Exact Sciences
Classification: Benign. Last evaluated: 2016-09-15. Review status: criteria provided, single submitter. Criteria: ACMG Guidelines, 2015. Collection method: clinical testing. Allele origin: germline.

Laboratory for Molecular Medicine, Mass General Brigham Personalized Medicine
Classification: Benign. Last evaluated: 2014-11-24. Review status: criteria provided, single submitter. Criteria: LMM Criteria. Collection method: clinical testing. Allele origin: germline. Observed: 2 variant alleles.
Comment: 778+13T>A in intron 7 of RPGR: This variant is not expected to have clinical sig nificance because it is not located within the conserved splice consensus sequen ce. It has been identified in 0.9% (59/6728) of European American chromosomes fr om a broad population by the NHLBI Exome Sequencing Project (dbSNP rs199625400).

Breakthrough Genomics
Classification: Benign. Review status: criteria provided, single submitter. Criteria: ACMG Guidelines, 2015. Collection method: not provided. Allele origin: germline. Inheritance: X-linked inheritance. Affected: yes.